The following is an entry in ClinVar:

ClinVar aggregate classification (germline): Uncertain significance (1 of 4 stars; one submission).

Conditions:
Hereditary pancreatitis (PCTT). Also called: Hereditary chronic pancreatitis; PRSS1-Related Hereditary Pancreatitis. Identifiers: Orphanet 676, MedGen C0238339, MONDO:0008185, OMIM 167800.

Submission:

Ambry Genetics
Classification: Uncertain significance for Hereditary pancreatitis. Last evaluated: 2026-04-22. Review status: criteria provided, single submitter. Criteria: Ambry Variant Classification Scheme 2023. Collection method: clinical testing. Allele origin: germline.
Comment: The p.S61C variant (also known as c.182C>G), located in coding exon 3 of the CPA1 gene, results from a C to G substitution at nucleotide position 182. The serine at codon 61 is replaced by cysteine, an amino acid with dissimilar properties. This amino acid position is conserved. In addition, this alteration is predicted to be tolerated by in silico analysis. Based on the available evidence, the clinical significance of this variant remains unclear.

NM_001868.4(CPA1):c.182C>G (p.Ser61Cys)

Gene: CPA1 (carboxypeptidase A1; plus strand). Cytogenetic location: 7q32.2.
Variant type: single nucleotide variant.
Coding change: c.182C>G on transcript NM_001868.4 (MANE Select); coding-DNA position 182, C replaced by G.
Protein change: p.Ser61Cys; replaces serine 61 with cysteine.
Molecular consequence: missense variant.
Genome position (GRCh38, 1-based): chr7:130,381,664, C>G. VCF-style: chr7-130381664-C-G. GRCh37 (hg19) VCF-style: chr7-130021505-C-G.
Other names: short protein forms S61C.
Identifiers: ClinVar variation 4869363 (VCV004869363.1).